The following is an entry in ClinVar:

NM_001291303.3(FAT4):c.12927T>C (p.Phe4309=)

Gene: FAT4 (FAT atypical cadherin 4; plus strand). Cytogenetic location: 4q28.1.
Variant type: single nucleotide variant.
Coding change: c.12927T>C on transcript NM_001291303.3 (MANE Select); coding-DNA position 12927, T replaced by C.
Protein change: p.Phe4309=; no amino-acid change (phenylalanine 4309 retained).
Molecular consequence: synonymous variant.
Genome position (GRCh38, 1-based): chr4:125,487,449, T>C. VCF-style: chr4-125487449-T-C. GRCh37 (hg19) VCF-style: chr4-126408604-T-C.
Other names: c.12927T>C, p.Phe4309= (NM_001291285.3); c.12921T>C, p.Phe4307= (NM_024582.6).
Identifiers: ClinVar variation 512620 (VCV000512620.1), dbSNP rs146058039, ClinGen allele CA3074224.
Genomic context (GRCh38, chr4:125,487,449, plus strand): 5'-TGGGAAAGTGGAGAGAAATATTCCTGAAGTATATGTTGCAGACGGCCACTGGCACACTTT[T>C]CTAATTGGGAAAAATGGAACAGCAACAGTATTGTCTGTTGACAGAATATATAACAGAGAT-3'
Protein context (NP_001278232.1, residues 4299-4319): VYVADGHWHT[Phe4309=]LIGKNGTATV

ClinVar aggregate classification (germline): Likely benign (1 of 4 stars; one submission).

Allele frequency attached by ClinVar (database versions not stated): ExAC 0.00001; gnomAD exomes below 0.00001; ESP Exome Variant Server 0.00008.

Submission:

GeneDx
Classification: Likely benign. Last evaluated: 2017-10-05. Review status: criteria provided, single submitter. Criteria: GeneDx Variant Classification (06012015). Collection method: clinical testing. Allele origin: germline. Affected: yes.
Comment: This variant is considered likely benign or benign based on one or more of the following criteria: it is a conservative change, it occurs at a poorly conserved position in the protein, it is predicted to be benign by multiple in silico algorithms, and/or has population frequency not consistent with disease.